The following is an entry in ClinVar:

NM_004736.4(XPR1):c.2074G>A (p.Asp692Asn)

Gene: XPR1 (xenotropic and polytropic retrovirus receptor 1; plus strand). Cytogenetic location: 1q25.3.
Variant type: single nucleotide variant.
Coding change: c.2074G>A on transcript NM_004736.4 (MANE Select); coding-DNA position 2074, G replaced by A.
Protein change: p.Asp692Asn; replaces aspartic acid 692 with asparagine.
Molecular consequence: missense variant. On other transcripts: non-coding transcript variant (1).
Genome position (GRCh38, 1-based): chr1:180,884,049, G>A. VCF-style: chr1-180884049-G-A. GRCh37 (hg19) VCF-style: chr1-180853185-G-A.
Other names: c.1879G>A, p.Asp627Asn (NM_001135669.2); short protein forms D692N, D627N.
Identifiers: ClinVar variation 2189475 (VCV002189475.2), dbSNP rs756495959, ClinGen allele CA1272909.

ClinVar aggregate classification (germline): Uncertain significance. Review status: criteria provided, multiple submitters, no conflicts (2 of 4 stars). 2 submissions from 2 submitters: Uncertain significance (2). Last evaluated 2023-11-10.

Allele frequency attached by ClinVar (database versions not stated): ExAC 0.00001; gnomAD exomes 0.00001; gnomAD 0.00003; TOPMed 0.00003.
gnomAD v4.1: 17 of 1,613,808 alleles (0.0011%); highest among the groups gnomAD compares: African/African-American, 0.0053%; no homozygotes.

Submissions (2):

Women's Health and Genetics/Laboratory Corporation of America, LabCorp
Classification: Uncertain significance. Last evaluated: 2023-11-10. Review status: criteria provided, single submitter. Criteria: LabCorp Variant Classification Summary - May 2015. Collection method: clinical testing. Allele origin: germline.
Comment: Variant summary: XPR1 c.2074G>A (p.Asp692Asn) results in a conservative amino acid change in the encoded protein sequence. Four of five in-silico tools predict a benign effect of the variant on protein function. The variant allele was found at a frequency of 8e-06 in 251226 control chromosomes. The available data on variant occurrences in the general population are insufficient to allow any conclusion about variant significance. To our knowledge, no occurrence of c.2074G>A in individuals affected with Basal Ganglia Calcification, Idiopathic, 6 and no experimental evidence demonstrating its impact on protein function have been reported. One submitter has cited clinical-significance assessments for this variant to ClinVar after 2014 and has classified the variant as uncertain significance. Based on the evidence outlined above, the variant was classified as uncertain significance.

Labcorp Genetics (formerly Invitae), Labcorp
Classification: Uncertain significance. Last evaluated: 2022-03-16. Review status: criteria provided, single submitter. Criteria: Invitae Variant Classification Sherloc (09022015). Collection method: clinical testing. Allele origin: germline.
Comment: This sequence change replaces aspartic acid, which is acidic and polar, with asparagine, which is neutral and polar, at codon 692 of the XPR1 protein (p.Asp692Asn). This variant is present in population databases (rs756495959, gnomAD 0.002%). This variant has not been reported in the literature in individuals affected with XPR1-related conditions. Algorithms developed to predict the effect of missense changes on protein structure and function (SIFT, PolyPhen-2, Align-GVGD) all suggest that this variant is likely to be tolerated. In summary, the available evidence is currently insufficient to determine the role of this variant in disease. Therefore, it has been classified as a Variant of Uncertain Significance.